The following is an entry in ClinVar:

NM_000395.3(CSF2RB):c.1447A>C (p.Lys483Gln)

Gene: CSF2RB (colony stimulating factor 2 receptor subunit beta; plus strand). Cytogenetic location: 22q12.3.
Variant type: single nucleotide variant.
Coding change: c.1447A>C on transcript NM_000395.3 (MANE Select); coding-DNA position 1447, A replaced by C.
Protein change: p.Lys483Gln; replaces lysine 483 with glutamine.
Molecular consequence: missense variant.
Genome position (GRCh38, 1-based): chr22:36,935,670, A>C. VCF-style: chr22-36935670-A-C. GRCh37 (hg19) VCF-style: chr22-37331712-A-C.
Other names: c.1465A>C, p.Lys489Gln (NM_001410827.1); short protein forms K483Q, K489Q.
Identifiers: ClinVar variation 1953299 (VCV001953299.5), dbSNP rs764724542, ClinGen allele CA10213847.
Genomic context (GRCh38, chr22:36,935,670, plus strand): 5'-ACCTCCGTGGTGTCTTCCAGGCTGCGCAGAAAGTGGGAGGAGAAGATCCCCAACCCCAGC[A>C]AGAGCCACCTGTTCCAGGTAGGAACTGGCTGCGAGGGGCGGAGTGGGGGCTTCTCTGTTC-3'
Protein context (NP_000386.1, residues 473-493): KWEEKIPNPS[Lys483Gln]SHLFQNGSAE

ClinVar aggregate classification (germline): Uncertain significance (1 of 4 stars; one submission).

Allele frequency attached by ClinVar (database versions not stated): gnomAD exomes below 0.00001; ExAC 0.00002.

Submission:

Labcorp Genetics (formerly Invitae), Labcorp
Classification: Uncertain significance. Last evaluated: 2022-08-16. Review status: criteria provided, single submitter. Criteria: Invitae Variant Classification Sherloc (09022015). Collection method: clinical testing. Allele origin: germline.
Comment: In summary, the available evidence is currently insufficient to determine the role of this variant in disease. Therefore, it has been classified as a Variant of Uncertain Significance. This sequence change replaces lysine, which is basic and polar, with glutamine, which is neutral and polar, at codon 483 of the CSF2RB protein (p.Lys483Gln). This variant is present in population databases (rs764724542, gnomAD 0.002%). This variant has not been reported in the literature in individuals affected with CSF2RB-related conditions. Algorithms developed to predict the effect of missense changes on protein structure and function are either unavailable or do not agree on the potential impact of this missense change (SIFT: "Deleterious"; PolyPhen-2: "Probably Damaging"; Align-GVGD: "Class C0").